The following is an entry in ClinVar:

NM_001013838.3(CARMIL2):c.1993C>A (p.His665Asn)

Gene: CARMIL2 (capping protein regulator and myosin 1 linker 2; plus strand). Cytogenetic location: 16q22.1.
Variant type: single nucleotide variant.
Coding change: c.1993C>A on transcript NM_001013838.3 (MANE Select); coding-DNA position 1993, C replaced by A.
Protein change: p.His665Asn; replaces histidine 665 with asparagine.
Molecular consequence: missense variant.
Genome position (GRCh38, 1-based): chr16:67,649,879, C>A. VCF-style: chr16-67649879-C-A. GRCh37 (hg19) VCF-style: chr16-67683782-C-A.
Other names: c.1885C>A, p.His629Asn (NM_001317026.3); short protein forms H629N, H665N.
Identifiers: ClinVar variation 2008140 (VCV002008140.4), dbSNP rs2142927162, ClinGen allele CA396339528.

ClinVar aggregate classification (germline): Uncertain significance (1 of 4 stars; one submission).

Submission:

Labcorp Genetics (formerly Invitae), Labcorp
Classification: Uncertain significance. Last evaluated: 2022-06-26. Review status: criteria provided, single submitter. Criteria: Invitae Variant Classification Sherloc (09022015). Collection method: clinical testing. Allele origin: germline.
Comment: In summary, the available evidence is currently insufficient to determine the role of this variant in disease. Therefore, it has been classified as a Variant of Uncertain Significance. Algorithms developed to predict the effect of missense changes on protein structure and function are either unavailable or do not agree on the potential impact of this missense change (SIFT: "Deleterious"; PolyPhen-2: "Benign"; Align-GVGD: "Class C0"). This variant has not been reported in the literature in individuals affected with CARMIL2-related conditions. This variant is not present in population databases (gnomAD no frequency). This sequence change replaces histidine, which is basic and polar, with asparagine, which is neutral and polar, at codon 665 of the CARMIL2 protein (p.His665Asn).